The following is an entry in ClinVar:

NM_000516.7(GNAS):c.508C>T (p.Gln170Ter)

Gene: GNAS (GNAS complex locus; plus strand). Cytogenetic location: 20q13.32.
Variant type: single nucleotide variant.
Coding change: c.508C>T on transcript NM_000516.7 (MANE Select); coding-DNA position 508, C replaced by T.
Protein change: p.Gln170Ter; replaces glutamine 170 with a stop codon.
Molecular consequence: nonsense. On other transcripts: 3 prime UTR variant (2).
Genome position (GRCh38, 1-based): chr20:58,905,458, C>T. VCF-style: chr20-58905458-C-T. GRCh37 (hg19) VCF-style: chr20-57480513-C-T.
Other names: c.511C>T, p.Gln171Ter (NM_001077488.5); c.463C>T, p.Gln155Ter (NM_001077489.4); c.*369C>T (NM_001077490.3); c.331C>T, p.Gln111Ter (NM_001309840.2, NM_001309861.2); c.412C>T, p.Gln138Ter (NM_001410912.1); c.2392C>T, p.Gln798Ter (NM_001410913.1); c.*414C>T (NM_016592.5); c.2437C>T, p.Gln813Ter (NM_080425.4); and 1 more; short protein forms Q155*, Q798*, Q138*, Q171*, Q111*, Q156*, Q170*, Q813*.
Identifiers: ClinVar variation 2745123 (VCV002745123.3), dbSNP rs2146210932, ClinGen allele CA409451285.

ClinVar aggregate classification (germline): Pathogenic (1 of 4 stars; one submission).

Submission:

Labcorp Genetics (formerly Invitae), Labcorp
Classification: Pathogenic. Last evaluated: 2023-05-28. Review status: criteria provided, single submitter. Criteria: Invitae Variant Classification Sherloc (09022015). Collection method: clinical testing. Allele origin: germline.
Comment: This variant is not present in population databases (gnomAD no frequency). This sequence change creates a premature translational stop signal (p.Gln170*) in the GNAS gene. It is expected to result in an absent or disrupted protein product. Loss-of-function variants in GNAS are known to be pathogenic (PMID: 11784876, 23281139, 23796510, 25802881). This variant has not been reported in the literature in individuals affected with GNAS-related conditions. For these reasons, this variant has been classified as Pathogenic.

Literature cited by the submitters: PubMed 11784876; PubMed 23281139; PubMed 23796510; PubMed 25802881.